The following is an entry in ClinVar:

NM_001382430.1(AKT1):c.371C>T (p.Ser124Leu)

Gene: AKT1 (AKT serine/threonine kinase 1; minus strand). Cytogenetic location: 14q32.33.
Variant type: single nucleotide variant.
Coding change: c.371C>T on transcript NM_001382430.1 (MANE Select); coding-DNA position 371, C replaced by T.
Protein change: p.Ser124Leu; replaces serine 124 with leucine.
Molecular consequence: missense variant.
Genome position (GRCh38, 1-based): chr14:104,775,716, G>A on the plus strand (C>T on the coding strand, the complement: AKT1 is on the minus strand). VCF-style: chr14-104775716-G-A. GRCh37 (hg19) VCF-style: chr14-105242053-G-A.
Other names: c.371C>T, p.Ser124Leu (NM_001014431.2, NM_001014432.2, NM_001382431.1 and 3 more transcripts); short protein forms S124L.
Identifiers: ClinVar variation 4035987 (VCV004035987.1).

ClinVar aggregate classification (germline): Uncertain significance (1 of 4 stars; one submission).

Conditions:
Inborn genetic diseases. Identifiers: MedGen C0950123, MeSH D030342.

gnomAD v4.1: 1 of 1,614,112 alleles (0.000062%); highest among the groups gnomAD compares: South Asian, 0.0011%; no homozygotes.

Submission:

Ambry Genetics
Classification: Uncertain significance for Inborn genetic diseases. Last evaluated: 2025-04-06. Review status: criteria provided, single submitter. Criteria: Ambry Variant Classification Scheme 2023. Collection method: clinical testing. Allele origin: germline.
Comment: The p.S124L variant (also known as c.371C>T), located in coding exon 4 of the AKT1 gene, results from a C to T substitution at nucleotide position 371. The serine at codon 124 is replaced by leucine, an amino acid with dissimilar properties. This amino acid position is conserved. In addition, this alteration is predicted to be tolerated by in silico analysis. Based on the available evidence, the clinical significance of this variant remains unclear.